The following is an entry in ClinVar:

ClinVar aggregate classification (germline): Uncertain significance (0 of 4 stars; one submission).

Conditions:
MYH2-related disorder. Also called: MYH2-related condition.

gnomAD v4.1: 1 of 1,614,196 alleles (0.000062%); highest among the groups gnomAD compares: Non-Finnish European, 0.000085%; no homozygotes.

Submission:

PreventionGenetics, part of Exact Sciences
Classification: Uncertain significance for MYH2-related condition. Last evaluated: 2024-08-16. Review status: no assertion criteria provided. Collection method: clinical testing. Allele origin: germline.
Comment: The MYH2 c.4502T>C variant is predicted to result in the amino acid substitution p.Leu1501Pro. To our knowledge, this variant has not been reported in the literature. This variant is reported in 0.00088% of alleles in individuals of European (Non-Finnish) descent in gnomAD. At this time, the clinical significance of this variant is uncertain due to the absence of conclusive functional and genetic evidence.

NM_017534.6(MYH2):c.4502T>C (p.Leu1501Pro)

Genes: MYH2 (myosin heavy chain 2; minus strand), MYHAS (myosin heavy chain gene cluster antisense RNA; plus strand), LOC126862500 (BRD4-independent group 4 enhancer GRCh37_chr17:10427829-10429028; plus strand). Cytogenetic location: 17p13.1.
Variant type: single nucleotide variant.
Coding change: c.4502T>C on transcript NM_017534.6 (MANE Select); coding-DNA position 4502, T replaced by C.
Protein change: p.Leu1501Pro; replaces leucine 1501 with proline.
Molecular consequence: missense variant.
Genome position (GRCh38, 1-based): chr17:10,525,486, A>G on the plus strand (T>C on the coding strand, the complement: MYH2 is on the minus strand). VCF-style: chr17-10525486-A-G. GRCh37 (hg19) VCF-style: chr17-10428803-A-G.
Other names: c.4502T>C, p.Leu1501Pro (NM_001100112.2); short protein forms L1501P.
Identifiers: ClinVar variation 3345484 (VCV003345484.1).